The following is an entry in ClinVar:

ClinVar aggregate classification (germline): Pathogenic (1 of 4 stars; one submission).

Conditions:
Severe X-linked myotubular myopathy (CNMX). Also called: X-linked centronuclear myopathy; MYOTUBULAR MYOPATHY 1; Myotubular myopathy, X-linked. Identifiers: Orphanet 596, MedGen C0410203, MONDO:0010683, OMIM 310400.

Submission:

3billion
Classification: Pathogenic for Severe X-linked myotubular myopathy. Last evaluated: 2023-08-15. Review status: criteria provided, single submitter. Criteria: ACMG Guidelines, 2015. Collection method: clinical testing. Allele origin: germline. Affected: yes.
Comment: The variant is not observed in the gnomAD v2.1.1 dataset. Predicted Consequence/Location: Canonical splice site: predicted to alter splicing and result in a loss or disruption of normal protein function. Multiple pathogenic loss-of-function variants are reported downstream of the variant. The variant has been reported to be associated with MTM1 related disorder (PMID: 22968136). However, the evidence of pathogenicity is insufficient at this time. Therefore, this variant is classified as Pathogenic according to the recommendation of ACMG/AMP guideline.

Literature cited by the submitters: PubMed 22968136.

NM_000252.3(MTM1):c.231+1G>T

Gene: MTM1 (myotubularin 1; plus strand). Cytogenetic location: Xq28.
Variant type: single nucleotide variant.
Coding change: c.231+1G>T on transcript NM_000252.3 (MANE Select); the canonical splice donor site of the intron after coding-DNA position 231, G replaced by T.
Molecular consequence: splice donor variant.
Genome position (GRCh38, 1-based): chrX:150,598,687, G>T. VCF-style: chrX-150598687-G-T. GRCh37 (hg19) VCF-style: chrX-149767151-G-T.
Other names: c.231+1G>T (NM_001376908.1, NM_001376906.1, NM_001376907.1).
Identifiers: ClinVar variation 3775890 (VCV003775890.1).